The following is an entry in ClinVar:

ClinVar aggregate classification (germline): Uncertain significance (1 of 4 stars; one submission).

Conditions:
Intellectual developmental disorder, autosomal dominant 1. Also called: MBD5 Haploinsufficiency; Intellectual disability, autosomal dominant 1. Identifiers: Orphanet 228402, MedGen C1969562, MONDO:0007974, OMIM 156200.

Submission:

Labcorp Genetics (formerly Invitae), Labcorp
Classification: Uncertain significance for Intellectual developmental disorder, autosomal dominant 1. Last evaluated: 2022-09-14. Review status: criteria provided, single submitter. Criteria: Invitae Variant Classification Sherloc (09022015). Collection method: clinical testing. Allele origin: germline.
Comment: This variant, c.2124_2125delinsTT, is a complex sequence change that results in the deletion of 2 and insertion of 2 amino acid(s) in the MBD5 protein (p.Met708_Ser709delinsIleCys). Information on the frequency of this variant in the gnomAD database is not available, as this variant may be reported differently in the database. This variant has not been reported in the literature in individuals affected with MBD5-related conditions. Experimental studies and prediction algorithms are not available or were not evaluated, and the functional significance of this variant is currently unknown. In summary, the available evidence is currently insufficient to determine the role of this variant in disease. Therefore, it has been classified as a Variant of Uncertain Significance.

NM_001378120.1(MBD5):c.2124_2125delinsTT (p.Met708_Ser709delinsIleCys)

Gene: MBD5 (methyl-CpG binding domain protein 5; plus strand). Cytogenetic location: 2q23.1.
Variant type: Indel.
Coding change: c.2124_2125delinsTT on transcript NM_001378120.1 (MANE Select); coding-DNA positions 2124 to 2125, GA replaced by TT.
Protein change: p.Met708_Ser709delinsIleCys.
Molecular consequence: missense variant.
Genome position (GRCh38, 1-based): chr2:148,470,067-148,470,068, GA replaced by TT. VCF-style: chr2-148470067-GA-TT. GRCh37 (hg19) VCF-style: chr2-149227636-GA-TT.
Other names: c.2124_2125delinsTT, p.Met708_Ser709delinsIleCys (NM_018328.5).
Identifiers: ClinVar variation 2030317 (VCV002030317.4), dbSNP rs2469873697, ClinGen allele CA2580063866.